The following is an entry in ClinVar:

ClinVar aggregate classification (germline): Uncertain significance. Review status: criteria provided, multiple submitters, no conflicts (2 of 4 stars). 3 submissions from 3 submitters: Uncertain significance (3). Last evaluated 2025-11-23.

Conditions:
Cardiovascular phenotype. Identifiers: MedGen CN230736.

Allele frequency attached by ClinVar (database versions not stated): gnomAD exomes 0.00002 and 0.00005; TOPMed 0.00003; gnomAD 0.00002; ExAC 0.00007.

Submissions (3):

Labcorp Genetics (formerly Invitae), Labcorp
Classification: Uncertain significance. Last evaluated: 2025-11-23. Review status: criteria provided, single submitter. Criteria: Invitae Variant Classification Sherloc (09022015). Collection method: clinical testing. Allele origin: germline.
Comment: This sequence change replaces arginine, which is basic and polar, with histidine, which is basic and polar, at codon 315 of the TBX20 protein (p.Arg315His). This variant is present in population databases (rs781762670, gnomAD 0.03%). This variant has not been reported in the literature in individuals affected with TBX20-related conditions. ClinVar contains an entry for this variant (Variation ID: 1314864). Invitae Evidence Modeling of protein sequence and biophysical properties (such as structural, functional, and spatial information, amino acid conservation, physicochemical variation, residue mobility, and thermodynamic stability) indicates that this missense variant is not expected to disrupt TBX20 protein function with a negative predictive value of 80%. In summary, the available evidence is currently insufficient to determine the role of this variant in disease. Therefore, it has been classified as a Variant of Uncertain Significance.

Ambry Genetics
Classification: Uncertain significance for Cardiovascular phenotype. Last evaluated: 2024-04-21. Review status: criteria provided, single submitter. Criteria: Ambry Variant Classification Scheme 2023. Collection method: clinical testing. Allele origin: germline.
Comment: The p.R315H variant (also known as c.944G>A), located in coding exon 7 of the TBX20 gene, results from a G to A substitution at nucleotide position 944. The arginine at codon 315 is replaced by histidine, an amino acid with highly similar properties. This amino acid position is highly conserved in available vertebrate species. In addition, the in silico prediction for this alteration is inconclusive. Based on the available evidence, the clinical significance of this variant remains unclear.

GeneDx
Classification: Uncertain significance. Last evaluated: 2021-04-27. Review status: criteria provided, single submitter. Criteria: GeneDx Variant Classification Process June 2021. Collection method: clinical testing. Allele origin: germline. Affected: yes.
Comment: Has not been previously published as pathogenic or benign to our knowledge; In silico analysis supports that this missense variant does not alter protein structure/function

NM_001077653.2(TBX20):c.944G>A (p.Arg315His)

Gene: TBX20 (T-box transcription factor 20; minus strand). Cytogenetic location: 7p14.2.
Variant type: single nucleotide variant.
Coding change: c.944G>A on transcript NM_001077653.2 (MANE Select); coding-DNA position 944, G replaced by A.
Protein change: p.Arg315His; replaces arginine 315 with histidine.
Molecular consequence: missense variant.
Genome position (GRCh38, 1-based): chr7:35,204,529, C>T on the plus strand (G>A on the coding strand, the complement: TBX20 is on the minus strand). VCF-style: chr7-35204529-C-T. GRCh37 (hg19) VCF-style: chr7-35244141-C-T.
Other names: short protein forms R315H.
Identifiers: ClinVar variation 1314864 (VCV001314864.6), dbSNP rs781762670, ClinGen allele CA4217385.